The following is an entry in ClinVar:

NM_001458.5(FLNC):c.2380G>C (p.Ala794Pro)

Gene: FLNC (filamin C; plus strand). Cytogenetic location: 7q32.1.
Variant type: single nucleotide variant.
Coding change: c.2380G>C on transcript NM_001458.5 (MANE Select); coding-DNA position 2380, G replaced by C.
Protein change: p.Ala794Pro; replaces alanine 794 with proline.
Molecular consequence: missense variant.
Genome position (GRCh38, 1-based): chr7:128,842,689, G>C. VCF-style: chr7-128842689-G-C. GRCh37 (hg19) VCF-style: chr7-128482743-G-C.
Other names: c.2380G>C, p.Ala794Pro (NM_001127487.2); short protein forms A794P.
Identifiers: ClinVar variation 4812410 (VCV004812410.1).
Genomic context (GRCh38, chr7:128,842,689, plus strand): 5'-GTGGAGAAGACAGGCCTCAAGGCCAATGAGCCCACCTACTTCACGGTGGACTGCAGCGAG[G>C]CGGGGCAAGGTGCGCCCAGCCGGAAGGGGTGGGTCTGGGAGGGGGCGGGGGTGAGTCGAG-3'
Protein context (NP_001449.3, residues 784-804): PTYFTVDCSE[Ala794Pro]GQGDVSIGIK

ClinVar aggregate classification (germline): Uncertain significance (1 of 4 stars; one submission).

Conditions:
Hypertrophic cardiomyopathy 26. Also called: Cardiomyopathy, familial hypertrophic, 26. Identifiers: Orphanet 75249, MedGen C4310749, MONDO:0014883, OMIM 617047.
Myofibrillar myopathy 5. Also called: Filaminopathy (type); FILAMINOPATHY, AUTOSOMAL DOMINANT. Identifiers: Orphanet 171445, MedGen C1836050, MONDO:0012289, OMIM 609524.
Distal myopathy with posterior leg and anterior hand involvement. Also called: WILLIAMS DISTAL MYOPATHY. Identifiers: Orphanet 63273, MedGen C3279722, MONDO:0013550, OMIM 614065.

Submission:

Labcorp Genetics (formerly Invitae), Labcorp
Classification: Uncertain significance for Distal myopathy with posterior leg and anterior hand involvement; Myofibrillar myopathy 5; Hypertrophic cardiomyopathy 26. Last evaluated: 2026-01-19. Review status: criteria provided, single submitter. Criteria: Invitae Variant Classification Sherloc (09022015). Collection method: clinical testing. Allele origin: germline.
Comment: This sequence change replaces alanine, which is neutral and non-polar, with proline, which is neutral and non-polar, at codon 794 of the FLNC protein (p.Ala794Pro). This variant is not present in population databases (gnomAD no frequency). This variant has not been reported in the literature in individuals affected with FLNC-related conditions. Invitae Evidence Modeling of protein sequence and biophysical properties (such as structural, functional, and spatial information, amino acid conservation, physicochemical variation, residue mobility, and thermodynamic stability) has been performed for this missense variant. However, the output from this modeling did not meet the statistical confidence thresholds required to predict the impact of this variant on FLNC protein function. In summary, the available evidence is currently insufficient to determine the role of this variant in disease. Therefore, it has been classified as a Variant of Uncertain Significance.